The following is an entry in ClinVar:

NM_004281.4(BAG3):c.1574T>G (p.Met525Arg)

Gene: BAG3 (BAG cochaperone 3; plus strand). Cytogenetic location: 10q26.11.
Variant type: single nucleotide variant.
Coding change: c.1574T>G on transcript NM_004281.4 (MANE Select); coding-DNA position 1574, T replaced by G.
Protein change: p.Met525Arg; replaces methionine 525 with arginine.
Molecular consequence: missense variant.
Genome position (GRCh38, 1-based): chr10:119,677,128, T>G. VCF-style: chr10-119677128-T-G. GRCh37 (hg19) VCF-style: chr10-121436640-T-G.
Other names: short protein forms M525R.
Identifiers: ClinVar variation 3756278 (VCV003756278.2).

ClinVar aggregate classification (germline): Uncertain significance (1 of 4 stars; one submission).

Conditions:
Myofibrillar myopathy 6. Identifiers: Orphanet 199340, MedGen C2751831, MONDO:0013061, OMIM 612954.
Dilated cardiomyopathy 1HH (CMD1HH). Identifiers: Orphanet 154, MedGen C3151293, MONDO:0013479, OMIM 613881.

gnomAD v4.1: 2 of 1,614,068 alleles (0.00012%); highest among the groups gnomAD compares: Non-Finnish European, 0.00017%; no homozygotes.

Submission:

Labcorp Genetics (formerly Invitae), Labcorp
Classification: Uncertain significance for Dilated cardiomyopathy 1HH; Myofibrillar myopathy 6. Last evaluated: 2024-05-09. Review status: criteria provided, single submitter. Criteria: Invitae Variant Classification Sherloc (09022015). Collection method: clinical testing. Allele origin: germline.
Comment: This sequence change replaces methionine, which is neutral and non-polar, with arginine, which is basic and polar, at codon 525 of the BAG3 protein (p.Met525Arg). This variant is not present in population databases (gnomAD no frequency). This variant has not been reported in the literature in individuals affected with BAG3-related conditions. Advanced modeling of protein sequence and biophysical properties (such as structural, functional, and spatial information, amino acid conservation, physicochemical variation, residue mobility, and thermodynamic stability) performed at Invitae indicates that this missense variant is not expected to disrupt BAG3 protein function with a negative predictive value of 80%. In summary, the available evidence is currently insufficient to determine the role of this variant in disease. Therefore, it has been classified as a Variant of Uncertain Significance.